The following is an entry in ClinVar:

ClinVar aggregate classification (germline): Uncertain significance. Review status: criteria provided, multiple submitters, no conflicts (2 of 4 stars). 2 submissions from 2 submitters: Uncertain significance (2). Last evaluated 2024-03-08.

Conditions:
Inborn genetic diseases. Identifiers: MedGen C0950123, MeSH D030342.

Allele frequency attached by ClinVar (database versions not stated): gnomAD exomes below 0.00001; gnomAD 0.00005; TOPMed 0.00005; ExAC 0.00006; ESP Exome Variant Server 0.00008.
gnomAD v4.1: 15 of 1,605,820 alleles (0.00093%); highest among the groups gnomAD compares: African/African-American, 0.019%; no homozygotes.

Submissions (2):

Ambry Genetics
Classification: Uncertain significance for Inborn genetic diseases. Last evaluated: 2024-03-08. Review status: criteria provided, single submitter. Criteria: Ambry Variant Classification Scheme 2023. Collection method: clinical testing. Allele origin: germline.

GeneDx
Classification: Uncertain significance. Last evaluated: 2023-12-01. Review status: criteria provided, single submitter. Criteria: GeneDx Variant Classification Process June 2021. Collection method: clinical testing. Allele origin: germline. Affected: yes.
Comment: In silico analysis supports that this missense variant does not alter protein structure/function; Has not been previously published as pathogenic or benign to our knowledge

NM_001128228.3(TPRN):c.1940G>A (p.Ser647Asn)

Gene: TPRN (taperin; minus strand). Cytogenetic location: 9q34.3.
Variant type: single nucleotide variant.
Coding change: c.1940G>A on transcript NM_001128228.3 (MANE Select); coding-DNA position 1940, G replaced by A.
Protein change: p.Ser647Asn; replaces serine 647 with asparagine.
Molecular consequence: missense variant.
Genome position (GRCh38, 1-based): chr9:137,192,477, C>T on the plus strand (G>A on the coding strand, the complement: TPRN is on the minus strand). VCF-style: chr9-137192477-C-T. GRCh37 (hg19) VCF-style: chr9-140086929-C-T.
Other names: short protein forms S647N.
Identifiers: ClinVar variation 3181622 (VCV003181622.2), dbSNP rs143298100, ClinGen allele CA5362587.